The following is an entry in ClinVar:

NM_000098.3(CPT2):c.1444_1645+364del

Gene: CPT2 (carnitine palmitoyltransferase 2; plus strand). Cytogenetic location: 1p32.3.
Variant type: Deletion.
Coding change: c.1444_1645+364del on transcript NM_000098.3 (MANE Select); coding-DNA position 1444 through 364 bases into the intron after coding-DNA position 1645, 566 bases deleted.
Molecular consequence: splice donor variant.
Genome position (GRCh38, 1-based): chr1:53,211,118-53,211,683, 566 bases deleted. GRCh37 (hg19): chr1:53,676,790-53,677,355.
Other names: c.1444_1576+433del (NM_001330589.2).
Identifiers: ClinVar variation 840887 (VCV000840887.5), dbSNP rs1645424505, ClinGen allele CA916082033.

ClinVar aggregate classification (germline): Pathogenic (1 of 4 stars; one submission).

Conditions:
Carnitine palmitoyltransferase II deficiency. Also called: Carnitine Palmitoyltransferase 2 Deficiency. Identifiers: Orphanet 157, MedGen C0342790, MONDO:0015515.

Submission:

Labcorp Genetics (formerly Invitae), Labcorp
Classification: Pathogenic for Carnitine palmitoyltransferase II deficiency. Last evaluated: 2025-04-20. Review status: criteria provided, single submitter. Criteria: Invitae Variant Classification Sherloc (09022015). Collection method: clinical testing. Allele origin: germline.
Comment: This variant results in the deletion of part of exon 4 (c.1444_1645+364del) of the CPT2 gene. While this variant is not anticipated to result in nonsense mediated decay, it likely alters RNA splicing and results in a disrupted protein product. This variant is not present in population databases (gnomAD no frequency). This variant has not been reported in the literature in individuals affected with CPT2-related conditions. ClinVar contains an entry for this variant (Variation ID: 840887). Variants that disrupt the consensus splice site are a relatively common cause of aberrant splicing (PMID: 17576681, 9536098). This variant disrupts a region of the CPT2 protein in which other variant(s) (p.Arg503Cys) have been determined to be pathogenic (PMID: 10090476, 10873395, 17372854, 19762733, 21913903; internal data). This suggests that this is a clinically significant region of the protein, and that variants that disrupt it are likely to be disease-causing. For these reasons, this variant has been classified as Pathogenic.

Literature cited by the submitters: PubMed 17576681; PubMed 9536098; PubMed 10090476; PubMed 10873395; PubMed 17372854; PubMed 19762733; PubMed 21913903.